The following is an entry in ClinVar:

NM_000081.4(LYST):c.1722A>G (p.Leu574=)

Gene: LYST (lysosomal trafficking regulator; minus strand). Cytogenetic location: 1q42.3.
Variant type: single nucleotide variant.
Coding change: c.1722A>G on transcript NM_000081.4 (MANE Select); coding-DNA position 1722, A replaced by G.
Protein change: p.Leu574=; no amino-acid change (leucine 574 retained).
Molecular consequence: synonymous variant.
Genome position (GRCh38, 1-based): chr1:235,809,096, T>C on the plus strand (A>G on the coding strand, the complement: LYST is on the minus strand). VCF-style: chr1-235809096-T-C. GRCh37 (hg19) VCF-style: chr1-235972396-T-C.
Other names: c.1722A>G, p.Leu574= (NM_001301365.1).
Identifiers: ClinVar variation 296428 (VCV000296428.19), dbSNP rs762078094, ClinGen allele CA1467415.

ClinVar aggregate classification (germline): Conflicting classifications of pathogenicity. Review status: criteria provided, conflicting classifications (1 of 4 stars). 5 submissions from 5 submitters: Uncertain significance (1); Likely benign (3). 1 of the submissions does not count toward it. Last evaluated 2025-06-22.

Conditions:
LYST-related disorder. Also called: LYST-related condition.
Chédiak-Higashi syndrome (CHS). Also called: Chediak-Higashi Syndrome. Identifiers: Orphanet 167, MedGen C0007965, MONDO:0008963, OMIM 214500.

Allele frequency attached by ClinVar (database versions not stated): TOPMed below 0.00001; gnomAD exomes 0.00007; gnomAD 0.00011; ExAC 0.00022.
gnomAD v4.1: 124 of 1,613,990 alleles (0.0077%); highest among the groups gnomAD compares: South Asian, 0.0099%; no homozygotes.

Submissions (5):

Labcorp Genetics (formerly Invitae), Labcorp
Classification: Likely benign for Chédiak-Higashi syndrome. Last evaluated: 2025-06-22. Review status: criteria provided, single submitter. Criteria: Invitae Variant Classification Sherloc (09022015). Collection method: clinical testing. Allele origin: germline.

CeGaT Center for Human Genetics Tuebingen
Classification: Likely benign. Last evaluated: 2025-06-01. Review status: criteria provided, single submitter. Criteria: CeGaT Center For Human Genetics Tuebingen Variant Classification Criteria Version 2. Collection method: clinical testing. Allele origin: germline. Affected: yes. Observed: 1 variant allele.
Comment: LYST: BP4, BP7

Blueprint Genetics
Classification: Likely benign. Last evaluated: 2024-09-13. Review status: criteria provided, single submitter. Criteria: ACMG Guidelines, 2015. Collection method: clinical testing. Allele origin: germline.

Illumina Laboratory Services, Illumina
Classification: Uncertain significance for Chédiak-Higashi syndrome. Last evaluated: 2018-01-12. Review status: criteria provided, single submitter. Criteria: ICSL Variant Classification Criteria 13 December 2019. Collection method: clinical testing. Allele origin: germline.

PreventionGenetics, part of Exact Sciences
Classification: Likely benign for LYST-related condition. Last evaluated: 2022-04-14. Review status: no assertion criteria provided. Collection method: clinical testing. Allele origin: germline. Not counted in ClinVar's aggregate classification.
Comment: This variant is classified as likely benign based on ACMG/AMP sequence variant interpretation guidelines (Richards et al. 2015 PMID: 25741868, with internal and published modifications).